The following is an entry in ClinVar:

ClinVar aggregate classification (germline): Uncertain significance (1 of 4 stars; one submission).

Conditions:
Cardiovascular phenotype. Identifiers: MedGen CN230736.
Hereditary cancer-predisposing syndrome. Also called: Hereditary Cancer Syndrome; Hereditary neoplastic syndrome; Neoplastic Syndromes, Hereditary; Tumor predisposition. Identifiers: Orphanet 140162, MedGen C0027672, MeSH D009386, MONDO:0015356.

Allele frequency attached by ClinVar (database versions not stated): TOPMed below 0.00001.

Submission:

Ambry Genetics
Classification: Uncertain significance for Cardiovascular phenotype; Hereditary cancer-predisposing syndrome. Last evaluated: 2025-11-17. Review status: criteria provided, single submitter. Criteria: Ambry Variant Classification Scheme 2023. Collection method: clinical testing. Allele origin: germline.
Comment: The p.E331K variant (also known as c.991G>A), located in coding exon 9 of the LZTR1 gene, results from a G to A substitution at nucleotide position 991. The glutamic acid at codon 331 is replaced by lysine, an amino acid with similar properties. This amino acid position is highly conserved in available vertebrate species. In addition, the in silico prediction for this alteration is inconclusive. Based on the available evidence, the clinical significance of this variant remains unclear.

NM_006767.4(LZTR1):c.991G>A (p.Glu331Lys)

Gene: LZTR1 (leucine zipper like post translational regulator 1; plus strand). Cytogenetic location: 22q11.21.
Variant type: single nucleotide variant.
Coding change: c.991G>A on transcript NM_006767.4 (MANE Select); coding-DNA position 991, G replaced by A.
Protein change: p.Glu331Lys; replaces glutamic acid 331 with lysine.
Molecular consequence: missense variant.
Genome position (GRCh38, 1-based): chr22:20,991,827, G>A. VCF-style: chr22-20991827-G-A. GRCh37 (hg19) VCF-style: chr22-21346116-G-A.
Other names: short protein forms E331K.
Identifiers: ClinVar variation 1768613 (VCV001768613.3), dbSNP rs1317514162, ClinGen allele CA410781671.